The following is an entry in ClinVar:

NM_032043.3(BRIP1):c.335G>A (p.Ser112Asn)

Gene: BRIP1 (BRCA1 interacting DNA helicase 1; minus strand). Cytogenetic location: 17q23.2.
Variant type: single nucleotide variant.
Coding change: c.335G>A on transcript NM_032043.3 (MANE Select); coding-DNA position 335, G replaced by A.
Protein change: p.Ser112Asn; replaces serine 112 with asparagine.
Molecular consequence: missense variant.
Genome position (GRCh38, 1-based): chr17:61,857,102, C>T on the plus strand (G>A on the coding strand, the complement: BRIP1 is on the minus strand). VCF-style: chr17-61857102-C-T. GRCh37 (hg19) VCF-style: chr17-59934463-C-T.
Other names: short protein forms S112N.
Identifiers: ClinVar variation 530311 (VCV000530311.10), dbSNP rs1555617813, ClinGen allele CA400485345.

ClinVar aggregate classification (germline): Uncertain significance. Review status: criteria provided, multiple submitters, no conflicts (2 of 4 stars). 2 submissions from 2 submitters: Uncertain significance (2). Last evaluated 2025-10-29.

Conditions:
Fanconi anemia complementation group J. Also called: BRIP1-Related Fanconi Anemia. Identifiers: Orphanet 84, MedGen C1836860, MONDO:0012187, OMIM 609054.
Familial cancer of breast. Also called: BREAST CANCER, FAMILIAL; hereditary breast carcinoma; Hereditary breast cancer. Identifiers: Orphanet 227535, MedGen C0346153, MONDO:0016419, OMIM 114480. Disease mechanism: loss of function.
Hereditary cancer-predisposing syndrome. Also called: Neoplastic Syndromes, Hereditary; Hereditary neoplastic syndrome; Tumor predisposition; Hereditary Cancer Syndrome. Identifiers: Orphanet 140162, MedGen C0027672, MeSH D009386, MONDO:0015356.

Submissions (2):

Labcorp Genetics (formerly Invitae), Labcorp
Classification: Uncertain significance for Familial cancer of breast; Fanconi anemia complementation group J. Last evaluated: 2025-10-29. Review status: criteria provided, single submitter. Criteria: Invitae Variant Classification Sherloc (09022015). Collection method: clinical testing. Allele origin: germline.
Comment: This sequence change replaces serine, which is neutral and polar, with asparagine, which is neutral and polar, at codon 112 of the BRIP1 protein (p.Ser112Asn). This variant is not present in population databases (gnomAD no frequency). This variant has not been reported in the literature in individuals affected with BRIP1-related conditions. ClinVar contains an entry for this variant (Variation ID: 530311). Invitae Evidence Modeling of protein sequence and biophysical properties (such as structural, functional, and spatial information, amino acid conservation, physicochemical variation, residue mobility, and thermodynamic stability) indicates that this missense variant is not expected to disrupt BRIP1 protein function with a negative predictive value of 95%. In summary, the available evidence is currently insufficient to determine the role of this variant in disease. Therefore, it has been classified as a Variant of Uncertain Significance.

Ambry Genetics
Classification: Uncertain significance for Hereditary cancer-predisposing syndrome. Last evaluated: 2024-02-25. Review status: criteria provided, single submitter. Criteria: Ambry Variant Classification Scheme 2023. Collection method: clinical testing. Allele origin: germline.
Comment: The p.S112N variant (also known as c.335G>A), located in coding exon 3 of the BRIP1 gene, results from a G to A substitution at nucleotide position 335. The serine at codon 112 is replaced by asparagine, an amino acid with highly similar properties. This amino acid position is conserved. In addition, this alteration is predicted to be tolerated by in silico analysis. Based on the available evidence, the clinical significance of this alteration remains unclear.